The following is an entry in ClinVar:

NM_000268.4(NF2):c.1123-2A>G

Gene: NF2 (NF2, moesin-ezrin-radixin like (MERLIN) tumor suppressor; plus strand). Cytogenetic location: 22q12.2.
Variant type: single nucleotide variant.
Coding change: c.1123-2A>G on transcript NM_000268.4 (MANE Select); the canonical splice acceptor site of the intron before coding-DNA position 1123, A replaced by G.
Molecular consequence: splice acceptor variant. On other transcripts: intron variant (1).
Genome position (GRCh38, 1-based): chr22:29,673,267, A>G. VCF-style: chr22-29673267-A-G. GRCh37 (hg19) VCF-style: chr22-30069256-A-G.
Other names: c.1123-2A>G (NM_016418.5, NM_181832.3, NM_001407060.1 and 2 more transcripts); c.1009-2A>G (NM_001407056.1, NM_001407053.1); c.892-2A>G (NM_001407067.1); c.589-2A>G (NM_001407065.1); c.988-2A>G (NM_001407059.1, NM_001407057.1); c.448-21485A>G (NM_181833.3); c.1000-2A>G (NM_001407058.1, NM_181829.3, NM_001407054.1); c.865-2A>G (NM_001407062.1); and 2 more.
Identifiers: ClinVar variation 1455257 (VCV001455257.6), dbSNP rs2147082167, ClinGen allele CA411147952.

ClinVar aggregate classification (germline): Pathogenic (1 of 4 stars; one submission).

Conditions:
Neurofibromatosis, type 2 (SWNV). Also called: BILATERAL ACOUSTIC NEUROFIBROMATOSIS; SCHWANNOMATOSIS, VESTIBULAR; NF2-Related Schwannomatosis. Identifiers: Orphanet 637, MedGen C0027832, MONDO:0007039, OMIM 101000. Disease mechanism: loss of function.

Submission:

Labcorp Genetics (formerly Invitae), Labcorp
Classification: Pathogenic for Neurofibromatosis, type 2. Last evaluated: 2022-02-21. Review status: criteria provided, single submitter. Criteria: Invitae Variant Classification Sherloc (09022015). Collection method: clinical testing. Allele origin: germline.
Comment: This variant is also known as agAT->ggAT1123-2 and IVS11-2A>G. Disruption of this splice site has been observed in individuals with neurofibromatosis type 2 (PMID: 7913580, 21563229). This variant is not present in population databases (gnomAD no frequency). This sequence change affects an acceptor splice site in intron 11 of the NF2 gene. RNA analysis indicates that disruption of this splice site induces altered splicing and may result in an absent or disrupted protein product. Studies have shown that disruption of this splice site results in activation of a cryptic splice site in intron 11 and introduces a premature termination codon (PMID: 21563229). The resulting mRNA is expected to undergo nonsense-mediated decay. For these reasons, this variant has been classified as Pathogenic.

Literature cited by the submitters: PubMed 7913580; PubMed 21563229.